The following is an entry in ClinVar:

ClinVar aggregate classification (germline): Uncertain significance (1 of 4 stars; one submission).

Submission:

Mayo Clinic Laboratories, Mayo Clinic
Classification: Uncertain significance. Last evaluated: 2024-07-03. Review status: criteria provided, single submitter. Criteria: ACMG Guidelines, 2015. Collection method: clinical testing. Allele origin: germline. Observed: 1 variant allele.
Comment: BP4

NM_015046.7(SETX):c.5785G>A (p.Ala1929Thr)

Gene: SETX (senataxin; minus strand). Cytogenetic location: 9q34.13.
Variant type: single nucleotide variant.
Coding change: c.5785G>A on transcript NM_015046.7 (MANE Select); coding-DNA position 5785, G replaced by A.
Protein change: p.Ala1929Thr; replaces alanine 1929 with threonine.
Molecular consequence: missense variant.
Genome position (GRCh38, 1-based): chr9:132,297,051, C>T on the plus strand (G>A on the coding strand, the complement: SETX is on the minus strand). VCF-style: chr9-132297051-C-T. GRCh37 (hg19) VCF-style: chr9-135172438-C-T.
Other names: p.Ala1929Thr; c.5785G>A, p.Ala1929Thr (NM_001351527.2, NM_001351528.2); short protein forms A1929T.
Identifiers: ClinVar variation 3379911 (VCV003379911.1).